The following is an entry in ClinVar:

ClinVar aggregate classification (germline): Uncertain significance (1 of 4 stars; one submission).

gnomAD v4.1: 1 of 1,614,194 alleles (0.000062%); highest among the groups gnomAD compares: Non-Finnish European, 0.000085%; no homozygotes.

Submission:

Labcorp Genetics (formerly Invitae), Labcorp
Classification: Uncertain significance. Last evaluated: 2021-10-30. Review status: criteria provided, single submitter. Criteria: Invitae Variant Classification Sherloc (09022015). Collection method: clinical testing. Allele origin: germline.
Comment: This variant has not been reported in the literature in individuals affected with HOXB13-related conditions. This variant is not present in population databases (gnomAD no frequency). This sequence change replaces proline, which is neutral and non-polar, with alanine, which is neutral and non-polar, at codon 114 of the HOXB13 protein (p.Pro114Ala). In summary, the available evidence is currently insufficient to determine the role of this variant in disease. Therefore, it has been classified as a Variant of Uncertain Significance. Algorithms developed to predict the effect of missense changes on protein structure and function output the following: SIFT: "Tolerated"; PolyPhen-2: "Benign"; Align-GVGD: "Class C0". The alanine amino acid residue is found in multiple mammalian species, which suggests that this missense change does not adversely affect protein function.

NM_006361.6(HOXB13):c.340C>G (p.Pro114Ala)

Gene: HOXB13 (homeobox B13; minus strand). Cytogenetic location: 17q21.32.
Variant type: single nucleotide variant.
Coding change: c.340C>G on transcript NM_006361.6 (MANE Select); coding-DNA position 340, C replaced by G.
Protein change: p.Pro114Ala; replaces proline 114 with alanine.
Molecular consequence: missense variant.
Genome position (GRCh38, 1-based): chr17:48,728,254, G>C on the plus strand (C>G on the coding strand, the complement: HOXB13 is on the minus strand). VCF-style: chr17-48728254-G-C. GRCh37 (hg19) VCF-style: chr17-46805616-G-C.
Other names: short protein forms P114A.
Identifiers: ClinVar variation 1390297 (VCV001390297.6), dbSNP rs751698154, ClinGen allele CA400107664.